The following is an entry in ClinVar:

ClinVar aggregate classification (germline): Pathogenic (1 of 4 stars; one submission).

Conditions:
Sotos syndrome (SOTOS). Also called: Sotos' syndrome; Distinctive facial appearance, overgrowth in childhood, and learning disabilities or delayed development; CEREBRAL GIGANTISM; CHROMOSOME 5q35 DELETION SYNDROME; SOTOS SYNDROME 1. Identifiers: Orphanet 821, MedGen C0175695, MONDO:0019349, OMIM 117550.

Submission:

Department of Medical Genetics, National Institute of Health
Classification: Pathogenic for Sotos syndrome. Last evaluated: 2023-06-18. Review status: criteria provided, single submitter. Criteria: ACMG Guidelines, 2015. Collection method: clinical testing. Allele origin: de novo. Inheritance: Autosomal dominant inheritance. Affected: yes. Observed: 1 variant allele, 1 hemizygote.
Comment: It's classified as Pathogenic according to the ACMG classification by complying the criteria PVS1, PM2 and PS2 (13 points).

NM_022455.5(NSD1):c.2493dup (p.Lys832fs)

Gene: NSD1 (nuclear receptor binding SET domain protein 1; plus strand). Cytogenetic location: 5q35.3.
Variant type: Duplication.
Coding change: c.2493dup on transcript NM_022455.5 (MANE Select); coding-DNA position 2493, one base duplicated (G; older notation c.2493dupG).
Protein change: p.Lys832fs; shifts the reading frame from lysine 832.
Molecular consequence: frameshift variant.
Genome position (GRCh38, 1-based): chr5:177,210,892, G duplicated; the last of 3 consecutive G bases (chr5:177,210,890-177,210,892); duplicating any one gives the same sequence. VCF-style (leftmost placement, unchanged base first): chr5-177210889-T-TG. GRCh37 (hg19) VCF-style: chr5-176637890-T-TG.
Other names: c.1620dup, p.Lys541fs (NM_001365684.2, NM_001409306.1, NM_001409307.1 and 3 more transcripts); c.2493dup, p.Lys832fs (NM_001409301.1, NM_001409302.1, NM_001409303.1); c.2073dup, p.Lys692fs (NM_001409304.1); c.1740dup, p.Lys581fs (NM_001409305.1); short protein forms K541fs, K581fs, K692fs, K832fs.
Identifiers: ClinVar variation 2574131 (VCV002574131.2), dbSNP rs2480455419, ClinGen allele CA2695198793.